The following is an entry in ClinVar:

ClinVar aggregate classification (germline): not provided (0 of 4 stars; one submission).

Allele frequency attached by ClinVar (database versions not stated): gnomAD exomes 0.00062; ExAC 0.00078; gnomAD 0.00153; TOPMed 0.00203; ESP Exome Variant Server 0.00215; 1000 Genomes Project 0.00240; 1000 Genomes Project 30x 0.00250.
gnomAD v4.1: 622 of 1,613,596 alleles (0.039%); highest among the groups gnomAD compares: African/African-American, 0.61%; 4 homozygotes.

Submission:

Human Evolutionary Genetics, Institut Pasteur
No classification provided. Review status: no classification provided. Collection method: not provided. Allele origin: germline.
ClinVar note: Converted during submission from untested to not provided.

NM_001384950.1(NLRC5):c.3920+20C>T

Gene: NLRC5 (NLR family CARD domain containing 5; plus strand). Cytogenetic location: 16q13.
Variant type: single nucleotide variant.
Coding change: c.3920+20C>T on transcript NM_001384950.1 (MANE Select); 20 bases into the intron after coding-DNA position 3920, C replaced by T.
Molecular consequence: intron variant.
Genome position (GRCh38, 1-based): chr16:57,059,081, C>T. VCF-style: chr16-57059081-C-T. GRCh37 (hg19) VCF-style: chr16-57092993-C-T.
Other names: c.3836+20C>T (NM_001384954.1, NM_001384965.1); c.3917+20C>T (NM_001384953.1, NM_001384957.1, NM_001384952.1 and 3 more transcripts); c.3833+20C>T (NM_001384956.1, NM_001384951.1, NM_001330552.2 and 2 more transcripts); c.3744-386C>T (NM_001384959.1); c.3920+20C>T (NM_032206.5, NM_001384955.1, NM_001384969.1 and 2 more transcripts); c.3747-386C>T (NM_001384958.1); c.3743+20C>T (NM_001384960.1); c.3830+20C>T (NM_001384967.1); and 2 more.
Identifiers: ClinVar variation 103186 (VCV000103186.2), dbSNP rs199476001, ClinGen allele CA230233.